The following is an entry in ClinVar:

NM_000070.3(CAPN3):c.2308T>G (p.Tyr770Asp)

Gene: CAPN3 (calpain 3; plus strand). Cytogenetic location: 15q15.1.
Variant type: single nucleotide variant.
Coding change: c.2308T>G on transcript NM_000070.3 (MANE Select); coding-DNA position 2308, T replaced by G.
Protein change: p.Tyr770Asp; replaces tyrosine 770 with aspartic acid.
Molecular consequence: missense variant.
Genome position (GRCh38, 1-based): chr15:42,410,928, T>G. VCF-style: chr15-42410928-T-G. GRCh37 (hg19) VCF-style: chr15-42703126-T-G.
Other names: c.2290T>G, p.Tyr764Asp (NM_024344.2); c.2032T>G, p.Tyr678Asp (NM_173087.2); c.772T>G, p.Tyr258Asp (NM_173088.2); c.313T>G, p.Tyr105Asp (NM_173089.2, NM_173090.2); c.*1406T>G (NM_212464.2); c.*1983T>G (NM_212467.2); short protein forms Y258D, Y770D, Y764D, Y105D, Y678D.
Identifiers: ClinVar variation 2708029 (VCV002708029.3), dbSNP rs2548294420, ClinGen allele CA392002045.
Genomic context (GRCh38, chr15:42,410,928, plus strand): 5'-ATGGTCCCCTCCACAGGATTCCACCTCAACAACCAGCTCTATGACATCATTACCATGCGG[T>G]ACGCAGACAAACACATGAACATCGACTTTGACAGTTTCATCTGCTGCTTCGTTAGGCTGG-3'
Protein context (NP_000061.1, residues 760-780): NQLYDIITMR[Tyr770Asp]ADKHMNIDFD

ClinVar aggregate classification (germline): Uncertain significance (1 of 4 stars; one submission).

Conditions:
Autosomal recessive limb-girdle muscular dystrophy type 2A (LGMDR1). Also called: LEYDEN-MOEBIUS MUSCULAR DYSTROPHY; MUSCULAR DYSTROPHY, PELVOFEMORAL; Muscular dystrophy, limb-girdle, type 2A, Amish; Limb-girdle muscular dystrophy, type 2A; Calpainopathy. Identifiers: Orphanet 267, MedGen C1869123, MONDO:0009675, OMIM 253600. Disease mechanism: loss of function.

Submission:

Labcorp Genetics (formerly Invitae), Labcorp
Classification: Uncertain significance for Autosomal recessive limb-girdle muscular dystrophy type 2A. Last evaluated: 2025-02-10. Review status: criteria provided, single submitter. Criteria: Invitae Variant Classification Sherloc (09022015). Collection method: clinical testing. Allele origin: germline.
Comment: This sequence change replaces tyrosine, which is neutral and polar, with aspartic acid, which is acidic and polar, at codon 770 of the CAPN3 protein (p.Tyr770Asp). This variant is not present in population databases (gnomAD no frequency). This variant has not been reported in the literature in individuals affected with CAPN3-related conditions. ClinVar contains an entry for this variant (Variation ID: 2708029). Invitae Evidence Modeling of protein sequence and biophysical properties (such as structural, functional, and spatial information, amino acid conservation, physicochemical variation, residue mobility, and thermodynamic stability) indicates that this missense variant is expected to disrupt CAPN3 protein function with a positive predictive value of 80%. In summary, the available evidence is currently insufficient to determine the role of this variant in disease. Therefore, it has been classified as a Variant of Uncertain Significance.